The following is an entry in ClinVar:

NM_000181.4(GUSB):c.10G>A (p.Gly4Arg)

Gene: GUSB (glucuronidase beta; minus strand). Cytogenetic location: 7q11.21.
Variant type: single nucleotide variant.
Coding change: c.10G>A on transcript NM_000181.4 (MANE Select); coding-DNA position 10, G replaced by A.
Protein change: p.Gly4Arg; replaces glycine 4 with arginine.
Molecular consequence: missense variant. On other transcripts: 5 prime UTR variant (2), non-coding transcript variant (1).
Genome position (GRCh38, 1-based): chr7:65,982,174, C>T on the plus strand (G>A on the coding strand, the complement: GUSB is on the minus strand). VCF-style: chr7-65982174-C-T. GRCh37 (hg19) VCF-style: chr7-65447161-C-T.
Other names: c.10G>A, p.Gly4Arg (NM_001284290.2); c.-376G>A (NM_001293104.2); c.-320G>A (NM_001293105.2); short protein forms G4R.
Identifiers: ClinVar variation 2039920 (VCV002039920.4), dbSNP rs572131903, ClinGen allele CA367655772.

ClinVar aggregate classification (germline): Uncertain significance (1 of 4 stars; one submission).

Conditions:
Mucopolysaccharidosis type 7 (MPS7). Also called: GUSB DEFICIENCY; SLY SYNDROME; MPS VII; BETA-GLUCURONIDASE DEFICIENCY. Identifiers: Orphanet 584, MedGen C0085132, MONDO:0009662, OMIM 253220.

Allele frequency attached by ClinVar (database versions not stated): gnomAD exomes below 0.00001.

Submission:

Labcorp Genetics (formerly Invitae), Labcorp
Classification: Uncertain significance for Mucopolysaccharidosis type 7. Last evaluated: 2022-08-02. Review status: criteria provided, single submitter. Criteria: Invitae Variant Classification Sherloc (09022015). Collection method: clinical testing. Allele origin: germline.
Comment: Algorithms developed to predict the effect of missense changes on protein structure and function output the following: SIFT: "Tolerated"; PolyPhen-2: "Benign"; Align-GVGD: "Class C0". The arginine amino acid residue is found in multiple mammalian species, which suggests that this missense change does not adversely affect protein function. This variant has not been reported in the literature in individuals affected with GUSB-related conditions. The frequency data for this variant in the population databases is considered unreliable, as metrics indicate poor data quality at this position in the gnomAD database. This sequence change replaces glycine, which is neutral and non-polar, with arginine, which is basic and polar, at codon 4 of the GUSB protein (p.Gly4Arg). In summary, the available evidence is currently insufficient to determine the role of this variant in disease. Therefore, it has been classified as a Variant of Uncertain Significance.